The following is an entry in ClinVar:

ClinVar aggregate classification (germline): Uncertain significance (1 of 4 stars; one submission).

Conditions:
Idiopathic generalized epilepsy. Also called: EIG; Generalised epilepsy. Identifiers: MedGen C0270850, MONDO:0005579, OMIM 600669.

Allele frequency attached by ClinVar (database versions not stated): gnomAD 0.00001; TOPMed 0.00001; gnomAD exomes 0.00002 and 0.00003.
gnomAD v4.1: 27 of 1,551,266 alleles (0.0017%); highest among the groups gnomAD compares: South Asian, 0.0024%; no homozygotes.

Submission:

Labcorp Genetics (formerly Invitae), Labcorp
Classification: Uncertain significance for Idiopathic generalized epilepsy. Last evaluated: 2024-03-01. Review status: criteria provided, single submitter. Criteria: Invitae Variant Classification Sherloc (09022015). Collection method: clinical testing. Allele origin: germline.
Comment: This sequence change replaces arginine, which is basic and polar, with glutamine, which is neutral and polar, at codon 153 of the RBFOX3 protein (p.Arg153Gln). This variant is present in population databases (rs566515477, gnomAD 0.007%). This variant has not been reported in the literature in individuals affected with RBFOX3-related conditions. ClinVar contains an entry for this variant (Variation ID: 858658). Advanced modeling of protein sequence and biophysical properties (such as structural, functional, and spatial information, amino acid conservation, physicochemical variation, residue mobility, and thermodynamic stability) performed at Invitae indicates that this missense variant is not expected to disrupt RBFOX3 protein function with a negative predictive value of 80%. In summary, the available evidence is currently insufficient to determine the role of this variant in disease. Therefore, it has been classified as a Variant of Uncertain Significance.

NM_001350451.2(RBFOX3):c.458G>A (p.Arg153Gln)

Gene: RBFOX3 (RNA binding fox-1 homolog 3; minus strand). Cytogenetic location: 17q25.3.
Variant type: single nucleotide variant.
Coding change: c.458G>A on transcript NM_001350451.2 (MANE Select); coding-DNA position 458, G replaced by A.
Protein change: p.Arg153Gln; replaces arginine 153 with glutamine.
Molecular consequence: missense variant. On other transcripts: intron variant (2).
Genome position (GRCh38, 1-based): chr17:79,103,211, C>T on the plus strand (G>A on the coding strand, the complement: RBFOX3 is on the minus strand). VCF-style: chr17-79103211-C-T. GRCh37 (hg19) VCF-style: chr17-77099293-C-T.
Other names: c.458G>A, p.Arg153Gln (NM_001082575.3, NM_001350453.2, NM_001385804.1 and 34 more transcripts); c.455G>A, p.Arg152Gln (NM_001385806.1, NM_001385822.1, NM_001385823.1 and 4 more transcripts); c.414+862G>A (NM_001385824.1); c.361-1567G>A (NM_001385847.1); short protein forms R153Q, R152Q.
Identifiers: ClinVar variation 858658 (VCV000858658.9), dbSNP rs566515477, ClinGen allele CA294790388.